The following is an entry in ClinVar:

ClinVar aggregate classification (germline): Pathogenic/Likely pathogenic. Review status: criteria provided, multiple submitters, no conflicts (2 of 4 stars). 4 submissions from 4 submitters: Pathogenic (2); Likely pathogenic (2). Last evaluated 2025-03-17.

Conditions:
Neuronopathy, distal hereditary motor, autosomal dominant 11. Also called: NEUROPATHY, DISTAL HEREDITARY MOTOR, 11. Identifiers: MedGen C5882697, MONDO:0957875, OMIM 620528.
Developmental delay with or without epilepsy (DEVEP). Identifiers: MedGen C5882702, MONDO:0957815, OMIM 620540.
Neurodevelopmental abnormality. Identifiers: MedGen C4022737, HP:0012759.
Developmental and epileptic encephalopathy, 5 (DEE5). Identifiers: Orphanet 3451, MedGen C3150731, MONDO:0013277, OMIM 613477.

Submissions (4):

GeneDx
Classification: Pathogenic. Last evaluated: 2025-03-17. Review status: criteria provided, single submitter. Criteria: GeneDx Variant Classification Process June 2021. Collection method: clinical testing. Allele origin: germline.
Comment: Reported with a second SPTAN1 variant on the opposite allele (in trans) in a fetus with agenesis of the corpus callosum, severe left heart hypoplasia, and moderate facial asymmetry in a doctoral thesis (Alby-Averseng, 2015); Nonsense variant predicted to result in protein truncation or nonsense mediated decay in a gene for which loss of function is a known mechanism of disease; Not observed at significant frequency in large population cohorts (gnomAD); This variant is associated with the following publications: (PMID: Alby-Averseng_2015_Thesis, 39292993)

Clinical Genetics Laboratory, Skane University Hospital Lund
Classification: Pathogenic for Neurodevelopmental abnormality. Last evaluated: 2025-01-20. Review status: criteria provided, single submitter. Criteria: ACMG Guidelines, 2015. Collection method: clinical testing. Allele origin: inherited. Affected: yes.
Comment: ACMG criteria used: PVS1, PS4_Moderate, PM2

Institute of Human Genetics, University of Goettingen
Classification: Likely pathogenic for Developmental delay with or without epilepsy; Neuronopathy, distal hereditary motor, autosomal dominant 11. Last evaluated: 2023-11-14. Review status: criteria provided, single submitter. Criteria: ACMG Guidelines, 2015. Collection method: clinical testing. Allele origin: unknown. Inheritance: Autosomal dominant inheritance. Observed: 1 heterozygote.
Comment: The variant c.466C>T (p.(Arg156*)) in exon 4 of the SPTAN1 gene is not found in the gnomAD database and changes the protein sequence starting at position 156 and interrupts the reading frame prematurely. This variant affects a moderately conserved nucleotide within a protein domain. ACMG criteria used for classification: PVS1_vstrg, PM2_supp.

Pittsburgh Clinical Genomics Laboratory, University of Pittsburgh Medical Center
Classification: Likely pathogenic for Developmental and epileptic encephalopathy, 5. Last evaluated: 2023-02-16. Review status: criteria provided, single submitter. Criteria: ACMG Guidelines, 2015. Collection method: clinical testing. Allele origin: germline. Inheritance: Autosomal dominant inheritance. Affected: yes.
Comment: This sequence variant is a single nucleotide substitution (C>T) at coding position 466 of the SPTAN1 gene that converts an arginine residue to a premature stop sigl at codon 156. Because this premature termition sigl occurs in exon 4 of 57, this variant is predicted to generate a non-functiol allele through the expression of a truncated protein or the loss of SPTAN1 expression due to nonsense mediated decay. This is a novel variant that is absent from an online database of clinically annotated variants (ClinVar) and the gnomAD control population database (0 of approximately 250,000 alleles). To our knowledge, the variant has not been observed in an individual affected by a SPTAN1-related disorder in the published literature. Likewise, studies examining the functiol consequence of this variant have not been published. However, truncating variants are a known mechanism of disease for SPTAN1 (PMID: 34590414). Given this information, we consider this a likely pathogenic variant. ACMG Criteria: PM2, PVS1

Literature cited by the submitters: PubMed 34590414 (cited by Pittsburgh Clinical Genomics Laboratory, University of Pittsburgh Medical Center).

NM_001130438.3(SPTAN1):c.466C>T (p.Arg156Ter)

Gene: SPTAN1 (spectrin alpha, non-erythrocytic 1; plus strand). Cytogenetic location: 9q34.11.
Variant type: single nucleotide variant.
Coding change: c.466C>T on transcript NM_001130438.3 (MANE Select); coding-DNA position 466, C replaced by T.
Protein change: p.Arg156Ter; replaces arginine 156 with a stop codon.
Molecular consequence: nonsense.
Genome position (GRCh38, 1-based): chr9:128,574,777, C>T. VCF-style: chr9-128574777-C-T. GRCh37 (hg19) VCF-style: chr9-131337056-C-T.
Other names: c.466C>T, p.Arg156Ter (NM_001195532.2, NM_001363759.2, NM_001363765.2 and 5 more transcripts); c.502C>T, p.Arg168Ter (NM_001375312.2, NM_001375318.1); c.466C>T (NM_001130438.2); short protein forms R156*, R168*.
Identifiers: ClinVar variation 2628105 (VCV002628105.6), dbSNP rs2541012589, ClinGen allele CA375052624.